The following is an entry in ClinVar:

ClinVar aggregate classification (germline): Benign (0 of 4 stars; one submission).

Conditions:
TRIM36-related disorder. Also called: TRIM36-related condition.

Allele frequency attached by ClinVar (database versions not stated): gnomAD 0.00046; TOPMed 0.00010; 1000 Genomes Project 30x 0.00172; gnomAD exomes 0.00097; 1000 Genomes Project 0.00220; ExAC 0.00236.
gnomAD v4.1: 1,471 of 1,614,132 alleles (0.091%); highest among the groups gnomAD compares: South Asian, 1.5%; 14 homozygotes.

Submission:

PreventionGenetics, part of Exact Sciences
Classification: Benign for TRIM36-related condition. Last evaluated: 2019-05-16. Review status: no assertion criteria provided. Collection method: clinical testing. Allele origin: germline.
Comment: This variant is classified as benign based on ACMG/AMP sequence variant interpretation guidelines (Richards et al. 2015 PMID: 25741868, with internal and published modifications).

NM_001017397.2(TRIM36):c.78A>G (p.Arg26=)

Gene: TRIM36 (tripartite motif containing 36; minus strand). Cytogenetic location: 5q22.3.
Variant type: single nucleotide variant.
Coding change: c.78A>G on transcript NM_001017397.2; coding-DNA position 78, A replaced by G.
Protein change: p.Arg26=; no amino-acid change (arginine 26 retained).
Molecular consequence: synonymous variant. On other transcripts: intron variant (2).
Genome position (GRCh38, 1-based): chr5:115,171,208, T>C on the plus strand (A>G on the coding strand, the complement: TRIM36 is on the minus strand). VCF-style: chr5-115171208-T-C. GRCh37 (hg19) VCF-style: chr5-114506905-T-C.
Other names: c.-168+8767A>G (NM_001300752.2); c.64-7456A>G (NM_018700.4).
Identifiers: ClinVar variation 3038086 (VCV003038086.2), dbSNP rs554601168, ClinGen allele CA3373798.